The following is an entry in ClinVar:

NM_001374675.1(HSF4):c.1132C>T (p.Pro378Ser)

Gene: HSF4 (heat shock transcription factor 4; plus strand). Cytogenetic location: 16q22.1.
Variant type: single nucleotide variant.
Coding change: c.1132C>T on transcript NM_001374675.1 (MANE Select); coding-DNA position 1132, C replaced by T.
Protein change: p.Pro378Ser; replaces proline 378 with serine.
Molecular consequence: missense variant.
Genome position (GRCh38, 1-based): chr16:67,168,880, C>T. VCF-style: chr16-67168880-C-T. GRCh37 (hg19) VCF-style: chr16-67202783-C-T.
Other names: c.1132C>T, p.Pro378Ser (NM_001040667.3); c.1042C>T, p.Pro348Ser (NM_001374674.1, NM_001538.4); short protein forms P348S, P378S.
Identifiers: ClinVar variation 3033052 (VCV003033052.3), dbSNP rs183968834, ClinGen allele CA8102090.
Genomic context (GRCh38, chr16:67,168,880, plus strand): 5'-TGTCTGCACAGGGGGCCTCTGGGCCTGGAAAGCGGGGACAGGAGCCCAGAGAGTCTGCTG[C>T]CTCCGATGCTGCTTCAGCCCCCTCAAGAAAGTGTGGAACCTGCAGGGCCTCTAGATGTGA-3'
Protein context (NP_001361604.1, residues 368-388): SGDRSPESLL[Pro378Ser]PMLLQPPQES

ClinVar aggregate classification (germline): Uncertain significance. Review status: criteria provided, single submitter (1 of 4 stars). 2 submissions from 2 submitters: Uncertain significance (1). 1 of the submissions does not count toward it. Last evaluated 2024-11-24.

Conditions:
HSF4-related disorder. Also called: HSF4-related condition.
Inborn genetic diseases. Identifiers: MedGen C0950123, MeSH D030342.

Allele frequency attached by ClinVar (database versions not stated): gnomAD exomes 0.00002; ExAC 0.00012; 1000 Genomes Project 30x 0.00016; ESP Exome Variant Server 0.00016; 1000 Genomes Project 0.00020; gnomAD 0.00027; TOPMed 0.00034.
gnomAD v4.1: 73 of 1,614,040 alleles (0.0045%); highest among the groups gnomAD compares: African/African-American, 0.089%; no homozygotes.

Submissions (2):

Ambry Genetics
Classification: Uncertain significance for Inborn genetic diseases. Last evaluated: 2024-11-24. Review status: criteria provided, single submitter. Criteria: Ambry Variant Classification Scheme 2023. Collection method: clinical testing. Allele origin: germline.

PreventionGenetics, part of Exact Sciences
Classification: Likely benign for HSF4-related condition. Last evaluated: 2022-12-19. Review status: no assertion criteria provided. Collection method: clinical testing. Allele origin: germline. Not counted in ClinVar's aggregate classification.
Comment: This variant is classified as likely benign based on ACMG/AMP sequence variant interpretation guidelines (Richards et al. 2015 PMID: 25741868, with internal and published modifications).